The following is an entry in ClinVar:

NM_182914.3(SYNE2):c.7681A>G (p.Lys2561Glu)

Gene: SYNE2 (spectrin repeat containing nuclear envelope protein 2; plus strand). Cytogenetic location: 14q23.2.
Variant type: single nucleotide variant.
Coding change: c.7681A>G on transcript NM_182914.3 (MANE Select); coding-DNA position 7681, A replaced by G.
Protein change: p.Lys2561Glu; replaces lysine 2561 with glutamic acid.
Molecular consequence: missense variant.
Genome position (GRCh38, 1-based): chr14:64,051,594, A>G. VCF-style: chr14-64051594-A-G. GRCh37 (hg19) VCF-style: chr14-64518312-A-G.
Other names: c.7681A>G, p.Lys2561Glu (NM_015180.6); short protein forms K2561E.
Identifiers: ClinVar variation 4770784 (VCV004770784.1).

ClinVar aggregate classification (germline): Uncertain significance (1 of 4 stars; one submission).

Conditions:
Emery-Dreifuss muscular dystrophy 5, autosomal dominant (EDMD5). Also called: EMERY-DREIFUSS MUSCULAR DYSTROPHY 5. Identifiers: Orphanet 261, MedGen C2751805, MONDO:0013072, OMIM 612999.

gnomAD v4.1: 10 of 1,613,590 alleles (0.00062%); highest among the groups gnomAD compares: Non-Finnish European, 0.00085%; no homozygotes.

Submission:

Labcorp Genetics (formerly Invitae), Labcorp
Classification: Uncertain significance for Emery-Dreifuss muscular dystrophy 5, autosomal dominant. Last evaluated: 2025-12-15. Review status: criteria provided, single submitter. Criteria: Invitae Variant Classification Sherloc (09022015). Collection method: clinical testing. Allele origin: germline.
Comment: This sequence change replaces lysine, which is basic and polar, with glutamic acid, which is acidic and polar, at codon 2561 of the SYNE2 protein (p.Lys2561Glu). This variant is present in population databases (no rsID available, gnomAD 0.002%). This variant has not been reported in the literature in individuals affected with SYNE2-related conditions. An algorithm developed to predict the effect of missense changes on protein structure and function outputs the following: PolyPhen-2: "Benign". The glutamic acid amino acid residue is found in multiple mammalian species, which suggests that this missense change does not adversely affect protein function. In summary, the available evidence is currently insufficient to determine the role of this variant in disease. Therefore, it has been classified as a Variant of Uncertain Significance.